The following is an entry in ClinVar:

NM_001844.5(COL2A1):c.569del (p.Lys190fs)

Gene: COL2A1 (collagen type II alpha 1 chain; minus strand). Cytogenetic location: 12q13.11.
Variant type: Deletion.
Coding change: c.569del on transcript NM_001844.5 (MANE Select); coding-DNA position 569, one base deleted (A; older notation c.569delA).
Protein change: p.Lys190fs; shifts the reading frame from lysine 190.
Molecular consequence: frameshift variant.
Genome position (GRCh38, 1-based): chr12:47,996,588, T deleted on the plus strand (A on the coding strand, the reverse complement: COL2A1 is on the minus strand); the first of 4 consecutive T bases (chr12:47,996,588-47,996,591); deleting any one gives the same sequence. VCF-style (leftmost placement, unchanged base first): chr12-47996587-CT-C. GRCh37 (hg19) VCF-style: chr12-48390370-CT-C.
Other names: c.362del, p.Lys121fs (NM_033150.3); short protein forms K121fs, K190fs.
Identifiers: ClinVar variation 1699396 (VCV001699396.3), dbSNP rs2136622208, ClinGen allele CA2573102947.

ClinVar aggregate classification (germline): Pathogenic (1 of 4 stars; one submission).

Conditions:
Stickler syndrome type 1 (STL1). Also called: ARTHROOPHTHALMOPATHY, HEREDITARY PROGRESSIVE; COL2A1-Related Stickler Syndrome; STICKLER SYNDROME, MEMBRANOUS VITREOUS TYPE; STICKLER SYNDROME, VITREOUS TYPE 1. Identifiers: Orphanet 828, Orphanet 90653, MedGen C2020284, MONDO:0007160, OMIM 108300.

Submission:

Victorian Clinical Genetics Services, Murdoch Childrens Research Institute
Classification: Pathogenic for Stickler syndrome type 1. Last evaluated: 2022-06-24. Review status: criteria provided, single submitter. Criteria: ACMG Guidelines, 2015. Collection method: clinical testing. Allele origin: germline. Inheritance: Autosomal dominant inheritance.
Comment: Based on the classification scheme VCGS_Germline_v1.3.4, this variant is classified as Pathogenic. Following criteria are met: 0103 - Dominant negative and loss of function are known mechanisms of disease in this gene and are associated with COL2A1-related disorders. Loss of function variants have been reported to cause Stickler syndrome, whereas missense variants with a dominant negative effect on protein function result in spondyloepiphyseal or spondyloepimetaphyseal dysplasia (OMIM, PMID: 35052477, PMID: 15895462). (I) 0107 - This gene is associated with autosomal dominant disease. (I) 0115 - Variants in this gene are known to have variable expressivity (GeneReviews). (I) 0201 - Variant is predicted to cause nonsense-mediated decay (NMD) and loss of protein (premature termination codon is located at least 54 nucleotides upstream of the final exon-exon junction). (SP) 0251 - This variant is heterozygous. (I) 0301 - Variant is absent from gnomAD (both v2 and v3). (SP) 0701 - Other NMD-predicted variants comparable to the one identified in this case have very strong previous evidence for pathogenicity. These variants have been reported many times as pathogenic, and are frequently observed in individuals with Stickler syndrome (DECIPHER, PMID: 35052477). (SP) 0807 - This variant has no previous evidence of pathogenicity. (I) 0905 - No published segregation evidence has been identified for this variant. (I) 1007 - No published functional evidence has been identified for this variant. (I) 1208 - Inheritance information for this variant is not currently available in this individual. (I) Legend: (SP) - Supporting pathogenic, (I) - Information, (SB) - Supporting benign

Literature cited by the submitters: PubMed 15895462; PubMed 35052477.